The following is an entry in ClinVar:

NM_014218.3(KIR2DL1):c.715+1499G>C

Gene: KIR2DL1 (killer cell immunoglobulin like receptor, two Ig domains and long cytoplasmic tail 1). Cytogenetic location: 19q13.42.
Variant type: single nucleotide variant.
Coding change: c.715+1499G>C on transcript NM_014218.3 (MANE Select); 1499 bases into the intron after coding-DNA position 715, G replaced by C.
Molecular consequence: intron variant.
Genome position (GRCh38, 1-based): chr19:54,780,161, G>C. VCF-style: chr19-54780161-G-C. GRCh37 (hg19) VCF-style: chr19-55291613-G-C.
Identifiers: ClinVar variation 3777942 (VCV003777942.7).
Genomic context (GRCh38, chr19:54,780,161, plus strand): 5'-ACCACGTTGGCCAAGCTTGTCTGAAACTCCCAACCTCAAGTGATCCGACCGTCTCAGCAT[G>C]CCAAAGTAATGGGACTACAGGCGTGAGCCACTGTGCCCAGCCAGAATTCAAAATCAATAA-3'

ClinVar aggregate classification (germline): Likely benign (1 of 4 stars; one submission).

Submission:

CeGaT Center for Human Genetics Tuebingen
Classification: Likely benign. Last evaluated: 2026-05-01. Review status: criteria provided, single submitter. Criteria: CeGaT Center For Human Genetics Tuebingen Variant Classification Criteria Version 2. Collection method: clinical testing. Allele origin: germline. Affected: yes. Observed: 3 variant alleles.
Comment: KIR2DL1: BP4, BS2